The following is an entry in ClinVar:

ClinVar aggregate classification (germline): Likely benign. Review status: criteria provided, multiple submitters, no conflicts (2 of 4 stars). 2 submissions from 2 submitters: Likely benign (2). Last evaluated 2026-06-26.

Conditions:
Sessile serrated polyposis cancer syndrome (SSPCS). Identifiers: Orphanet 157798, MedGen C4310714, MONDO:0014919, OMIM 617108.

Allele frequency attached by ClinVar (database versions not stated): gnomAD exomes below 0.00001.
gnomAD v4.1: 5 of 1,614,150 alleles (0.00031%); highest among the groups gnomAD compares: Non-Finnish European, 0.00025%; no homozygotes.

Submissions (2):

Myriad Genetics, Inc.
Classification: Likely benign for Sessile serrated polyposis cancer syndrome. Last evaluated: 2026-06-26. Review status: criteria provided, single submitter. Criteria: Myriad Autosomal Dominant, Autosomal Recessive and X-Linked Classification Criteria (2023). Collection method: clinical testing. Allele origin: unknown.
Comment: This variant is considered likely benign. This variant is intronic and is not expected to impact mRNA splicing.

Labcorp Genetics (formerly Invitae), Labcorp
Classification: Likely benign. Last evaluated: 2025-05-02. Review status: criteria provided, single submitter. Criteria: Invitae Variant Classification Sherloc (09022015). Collection method: clinical testing. Allele origin: germline.

NM_017763.6(RNF43):c.451-10C>T

Gene: RNF43 (ring finger protein 43; minus strand). Cytogenetic location: 17q22.
Variant type: single nucleotide variant.
Coding change: c.451-10C>T on transcript NM_017763.6 (MANE Select); 10 bases into the intron before coding-DNA position 451, C replaced by T.
Molecular consequence: intron variant.
Genome position (GRCh38, 1-based): chr17:58,363,416, G>A on the plus strand (C>T on the coding strand, the complement: RNF43 is on the minus strand). VCF-style: chr17-58363416-G-A. GRCh37 (hg19) VCF-style: chr17-56440777-G-A.
Other names: c.451-10C>T (NM_001438822.1, NM_001305544.3, NM_001438820.1 and 1 more transcripts); c.70-10C>T (NM_001305545.2, NM_001437987.1).
Identifiers: ClinVar variation 2170970 (VCV002170970.5), dbSNP rs1972883316, ClinGen allele CA2267672029.